The following is an entry in ClinVar:

ClinVar aggregate classification (germline): Pathogenic (0 of 4 stars; one submission).

Conditions:
Glucocorticoid deficiency 4. Also called: Glucocorticoid deficiency 4 with or without mineralocorticoid deficiency. Identifiers: Orphanet 361, MedGen C3553587, MONDO:0013874, OMIM 614736.

Submission:

Department of Pediatric Endocrinology and Inherited Metabolic Diseases, Children's Hospital of Fudan University
Classification: Pathogenic for Glucocorticoid deficiency 4. Last evaluated: 2021-05-18. Review status: no assertion criteria provided. Collection method: clinical testing. Allele origin: germline. Inheritance: Autosomal recessive inheritance. Affected: yes. Observed: 1 variant allele, 1 homozygote.
Comment: Primary adrenal insufficiency

NM_182977.3(NNT):c.2274del (p.Ile758fs)

Gene: NNT (nicotinamide nucleotide transhydrogenase; plus strand). Cytogenetic location: 5p12.
Variant type: Deletion.
Coding change: c.2274del on transcript NM_182977.3 (MANE Select); coding-DNA position 2274, one base deleted (T; older notation c.2274delT).
Protein change: p.Ile758fs; shifts the reading frame from isoleucine 758.
Molecular consequence: frameshift variant.
Genome position (GRCh38, 1-based): chr5:43,656,054, T deleted; the last of 2 consecutive T bases (chr5:43,656,053-43,656,054); deleting either gives the same sequence. VCF-style (leftmost placement, unchanged base first): chr5-43656052-AT-A. GRCh37 (hg19) VCF-style: chr5-43656154-AT-A.
Other names: c.2274delT (NM_182977.3); c.1881del, p.Ile627fs (NM_001331026.2); c.2274del, p.Ile758fs (NM_012343.4); short protein forms I627fs, I758fs.
Identifiers: ClinVar variation 1119993 (VCV001119993.2), dbSNP rs2111935997, ClinGen allele CA2499217864.